The following is an entry in ClinVar:

NM_001029998.6(SLC10A7):c.320+678A>G

Gene: SLC10A7 (solute carrier family 10 member 7; minus strand). Cytogenetic location: 4q31.22.
Variant type: single nucleotide variant.
Coding change: c.320+678A>G on transcript NM_001029998.6 (MANE Select); 678 bases into the intron after coding-DNA position 320, A replaced by G.
Molecular consequence: intron variant.
Genome position (GRCh38, 1-based): chr4:146,509,235, T>C on the plus strand (A>G on the coding strand, the complement: SLC10A7 is on the minus strand). VCF-style: chr4-146509235-T-C. GRCh37 (hg19) VCF-style: chr4-147430387-T-C.
Other names: c.320+678A>G (NM_001317816.2, NM_001300842.3, NM_032128.5); c.184-5311A>G (NM_001317817.2).
Identifiers: ClinVar variation 3898472 (VCV003898472.7).

ClinVar aggregate classification (germline): Likely benign (1 of 4 stars; one submission).

gnomAD v4.1: 423 of 152,316 alleles (0.28%); highest among the groups gnomAD compares: Non-Finnish European, 0.46%; 3 homozygotes.

Submission:

CeGaT Center for Human Genetics Tuebingen
Classification: Likely benign. Last evaluated: 2026-01-01. Review status: criteria provided, single submitter. Criteria: CeGaT Center For Human Genetics Tuebingen Variant Classification Criteria Version 2. Collection method: clinical testing. Allele origin: germline. Affected: yes. Observed: 4 variant alleles.
Comment: SLC10A7: BS2